The following is an entry in ClinVar:

NM_001035.3(RYR2):c.6555+325G>A

Gene: RYR2 (ryanodine receptor 2; plus strand). Cytogenetic location: 1q43.
Variant type: single nucleotide variant.
Coding change: c.6555+325G>A on transcript NM_001035.3 (MANE Select); 325 bases into the intron after coding-DNA position 6555, G replaced by A.
Molecular consequence: intron variant.
Genome position (GRCh38, 1-based): chr1:237,631,866, G>A. VCF-style: chr1-237631866-G-A. GRCh37 (hg19) VCF-style: chr1-237795166-G-A.
Identifiers: ClinVar variation 683786 (VCV000683786.1), dbSNP rs7556134, ClinGen allele CA10794287.

ClinVar aggregate classification (germline): Benign (1 of 4 stars; one submission).

Allele frequency attached by ClinVar (database versions not stated): gnomAD 0.46932; TOPMed 0.38952; 1000 Genomes Project 0.35423; 1000 Genomes Project 30x 0.35806.
gnomAD v4.1: 56,710 of 124,308 alleles (46%); highest among the groups gnomAD compares: African/African-American, 69%; 12,683 homozygotes.

Submission:

GeneDx
Classification: Benign. Last evaluated: 2018-06-18. Review status: criteria provided, single submitter. Criteria: GeneDx Variant Classification (06012015). Collection method: clinical testing. Allele origin: germline. Affected: yes.
Comment: This variant is considered likely benign or benign based on one or more of the following criteria: it is a conservative change, it occurs at a poorly conserved position in the protein, it is predicted to be benign by multiple in silico algorithms, and/or has population frequency not consistent with disease.